The following is an entry in ClinVar:

ClinVar aggregate classification (germline): Likely benign (1 of 4 stars; one submission).

Submission:

CeGaT Center for Human Genetics Tuebingen
Classification: Likely benign. Last evaluated: 2025-08-01. Review status: criteria provided, single submitter. Criteria: CeGaT Center For Human Genetics Tuebingen Variant Classification Criteria Version 2. Collection method: clinical testing. Allele origin: germline. Affected: yes. Observed: 2 variant alleles.
Comment: AHNAK2: PM4, BS1

NM_138420.4(AHNAK2):c.6256_6276del (p.Leu2086_Asp2092del)

Gene: AHNAK2 (AHNAK nucleoprotein 2; minus strand). Cytogenetic location: 14q32.33.
Variant type: Deletion.
Coding change: c.6256_6276del on transcript NM_138420.4 (MANE Select); coding-DNA positions 6256 to 6276, 21 bases deleted (CTCAAGGGCCCCCAGGTGGAC).
Protein change: p.Leu2086_Asp2092del.
Molecular consequence: inframe deletion.
Genome position (GRCh38, 1-based): chr14:104,949,175-104,949,195, GTCCACCTGGGGGCCCTTGAG deleted on the plus strand (CTCAAGGGCCCCCAGGTGGAC on the coding strand, the reverse complement: AHNAK2 is on the minus strand); deleting any 21 consecutive bases within chr14:104,949,175-104,949,201 gives the same sequence; the c. name uses the placement nearest the transcript's 3' end. VCF-style (leftmost placement, unchanged base first): chr14-104949174-TGTCCACCTGGGGGCCCTTGAG-T. GRCh37 (hg19) VCF-style: chr14-105415511-TGTCCACCTGGGGGCCCTTGAG-T.
Other names: c.5956_5976del, p.Leu1986_Asp1992del (NM_001350929.2).
Identifiers: ClinVar variation 2644746 (VCV002644746.24), dbSNP rs768713638, ClinGen allele CA7381240.